The following is an entry in ClinVar:

ClinVar aggregate classification (germline): Uncertain significance. Review status: criteria provided, multiple submitters, no conflicts (2 of 4 stars). 2 submissions from 2 submitters: Uncertain significance (2). Last evaluated 2021-04-26.

Conditions:
Retinitis pigmentosa 7 (RP7). Identifiers: Orphanet 791, MedGen C1842475, MONDO:0011974, OMIM 608133.

Submissions (2):

Genetics Laboratory, Department of Biology, Semnan University
Classification: Uncertain significance for Retinitis pigmentosa 7. Last evaluated: 2021-04-26. Review status: criteria provided, single submitter. Criteria: ACMG Guidelines, 2015. Collection method: research. Allele origin: germline. Inheritance: Autosomal recessive inheritance. Affected: no. Observed: 1 variant allele, 1 heterozygote.
Comment: The identified variant leads to the deletion of Nucleotide G at position 379 of ROM1 gene CDS leading to frameshift of coding sequence. Hence, this substitution could alter the amino acid sequence and could leads to a decreased or loss of function of mutated protein.

Blueprint Genetics
Classification: Uncertain significance. Last evaluated: 2020-09-28. Review status: criteria provided, single submitter. Criteria: ACMG Guidelines, 2015. Collection method: clinical testing. Allele origin: germline.

Literature cited by the submitters: DOI 10.1007/s00417-018-04206-w (cited by Genetics Laboratory, Department of Biology, Semnan University).

NM_000327.4(ROM1):c.381del (p.Ser128fs)

Gene: ROM1 (retinal outer segment membrane protein 1; plus strand). Cytogenetic location: 11q12.3.
Variant type: Deletion.
Coding change: c.381del on transcript NM_000327.4 (MANE Select); coding-DNA position 381, one base deleted (G; older notation c.381delG).
Protein change: p.Ser128fs; shifts the reading frame from serine 128.
Molecular consequence: frameshift variant.
Genome position (GRCh38, 1-based): chr11:62,613,662, G deleted; the last of 3 consecutive G bases (chr11:62,613,660-62,613,662); deleting any one gives the same sequence. VCF-style (leftmost placement, unchanged base first): chr11-62613659-TG-T. GRCh37 (hg19) VCF-style: chr11-62381131-TG-T.
Other names: c.379delG (NM_000327.4); short protein forms S128fs.
Identifiers: ClinVar variation 4886878 (VCV004886878.2).